The following is an entry in ClinVar:

NM_012418.4(FSCN2):c.363C>T (p.Phe121=)

Gene: FSCN2 (fascin actin-bundling protein 2, retinal; plus strand). Cytogenetic location: 17q25.3.
Variant type: single nucleotide variant.
Coding change: c.363C>T on transcript NM_012418.4 (MANE Select); coding-DNA position 363, C replaced by T.
Protein change: p.Phe121=; no amino-acid change (phenylalanine 121 retained).
Molecular consequence: synonymous variant.
Genome position (GRCh38, 1-based): chr17:81,528,894, C>T. VCF-style: chr17-81528894-C-T. GRCh37 (hg19) VCF-style: chr17-79495920-C-T.
Other names: c.363C>T (NM_001077182.2); c.363C>T, p.Phe121= (NM_001077182.3).
Identifiers: ClinVar variation 1092524 (VCV001092524.11), dbSNP rs782113712, ClinGen allele CA8836655.
Genomic context (GRCh38, chr17:81,528,894, plus strand): 5'-GCTGCGGTCCGAGCCGCACGGCCGCTTCTTCGGAGGCACCGAGGACCAGCTGTCCTGCTT[C>T]GCCACAGCCGTTTCCCCGGCCGAGCTGTGGACCGTGCACCTGGCCATCCACCCGCAGGCC-3'
Protein context (NP_036550.1, residues 111-131): FGGTEDQLSC[Phe121=]ATAVSPAELW

ClinVar aggregate classification (germline): Likely benign. Review status: criteria provided, single submitter (1 of 4 stars). 2 submissions from 2 submitters: Likely benign (1). 1 of the submissions does not count toward it. Last evaluated 2025-07-08.

Conditions:
FSCN2-related disorder. Also called: FSCN2-related condition.

Allele frequency attached by ClinVar (database versions not stated): gnomAD 0.00001; gnomAD exomes 0.00002; TOPMed 0.00002; ExAC 0.00004.
gnomAD v4.1: 16 of 1,578,720 alleles (0.001%); highest among the groups gnomAD compares: East Asian, 0.007%; no homozygotes.

Submissions (2):

Labcorp Genetics (formerly Invitae), Labcorp
Classification: Likely benign. Last evaluated: 2025-07-08. Review status: criteria provided, single submitter. Criteria: Invitae Variant Classification Sherloc (09022015). Collection method: clinical testing. Allele origin: germline.

PreventionGenetics, part of Exact Sciences
Classification: Likely benign for FSCN2-related condition. Last evaluated: 2019-08-15. Review status: no assertion criteria provided. Collection method: clinical testing. Allele origin: germline. Not counted in ClinVar's aggregate classification.
Comment: This variant is classified as likely benign based on ACMG/AMP sequence variant interpretation guidelines (Richards et al. 2015 PMID: 25741868, with internal and published modifications).